The following is an entry in ClinVar:

NM_001903.5(CTNNA1):c.848A>G (p.Asn283Ser)

Gene: CTNNA1 (catenin alpha 1; plus strand). Cytogenetic location: 5q31.2.
Variant type: single nucleotide variant.
Coding change: c.848A>G on transcript NM_001903.5 (MANE Select); coding-DNA position 848, A replaced by G.
Protein change: p.Asn283Ser; replaces asparagine 283 with serine.
Molecular consequence: missense variant.
Genome position (GRCh38, 1-based): chr5:138,824,789, A>G. VCF-style: chr5-138824789-A-G. GRCh37 (hg19) VCF-style: chr5-138160478-A-G.
Other names: c.848A>G, p.Asn283Ser (NM_001290307.3, NM_001323982.2, NM_001323983.1 and 3 more transcripts); c.539A>G, p.Asn180Ser (NM_001290309.3); c.479A>G, p.Asn160Ser (NM_001290310.3); c.848A>G (NM_001903.2); short protein forms N160S, N180S, N283S.
Identifiers: ClinVar variation 1057938 (VCV001057938.10), dbSNP rs750584026, ClinGen allele CA3431567.

ClinVar aggregate classification (germline): Uncertain significance. Review status: criteria provided, multiple submitters, no conflicts (2 of 4 stars). 3 submissions from 3 submitters: Uncertain significance (3). Last evaluated 2025-10-03.

Conditions:
Patterned macular dystrophy 2. Identifiers: Orphanet 99001, MedGen C1837029, MONDO:0012162, OMIM 608970.
Hereditary cancer-predisposing syndrome. Also called: Neoplastic Syndromes, Hereditary; Hereditary Cancer Syndrome; Hereditary neoplastic syndrome; Tumor predisposition. Identifiers: Orphanet 140162, MedGen C0027672, MeSH D009386, MONDO:0015356.

Allele frequency attached by ClinVar (database versions not stated): gnomAD exomes below 0.00001; TOPMed below 0.00001; ExAC 0.00001.
gnomAD v4.1: 2 of 1,612,732 alleles (0.00012%); highest among the groups gnomAD compares: Non-Finnish European, 0.000085%; no homozygotes.

Submissions (3):

Ambry Genetics
Classification: Uncertain significance for Hereditary cancer-predisposing syndrome. Last evaluated: 2025-10-03. Review status: criteria provided, single submitter. Criteria: Ambry Variant Classification Scheme 2023. Collection method: clinical testing. Allele origin: germline.
Comment: The p.N283S variant (also known as c.848A>G), located in coding exon 5 of the CTNNA1 gene, results from an A to G substitution at nucleotide position 848. The asparagine at codon 283 is replaced by serine, an amino acid with highly similar properties. This amino acid position is highly conserved in available vertebrate species. In addition, this alteration is predicted to be tolerated by in silico analysis. Based on the available evidence, the clinical significance of this variant remains unclear.

Labcorp Genetics (formerly Invitae), Labcorp
Classification: Uncertain significance. Last evaluated: 2025-04-09. Review status: criteria provided, single submitter. Criteria: Invitae Variant Classification Sherloc (09022015). Collection method: clinical testing. Allele origin: germline.
Comment: This sequence change replaces asparagine, which is neutral and polar, with serine, which is neutral and polar, at codon 283 of the CTNNA1 protein (p.Asn283Ser). This variant is present in population databases (rs750584026, gnomAD 0.01%). This variant has not been reported in the literature in individuals affected with CTNNA1-related conditions. ClinVar contains an entry for this variant (Variation ID: 1057938). Invitae Evidence Modeling of protein sequence and biophysical properties (such as structural, functional, and spatial information, amino acid conservation, physicochemical variation, residue mobility, and thermodynamic stability) indicates that this missense variant is not expected to disrupt CTNNA1 protein function with a negative predictive value of 80%. In summary, the available evidence is currently insufficient to determine the role of this variant in disease. Therefore, it has been classified as a Variant of Uncertain Significance.

Baylor Genetics
Classification: Uncertain significance for Patterned macular dystrophy 2. Last evaluated: 2023-11-08. Review status: criteria provided, single submitter. Criteria: ACMG Guidelines, 2015. Collection method: clinical testing. Allele origin: unknown.